The following is an entry in ClinVar:

ClinVar aggregate classification (germline): Uncertain significance (1 of 4 stars; one submission).

Conditions:
Familial cancer of breast. Also called: BREAST CANCER, FAMILIAL; Hereditary breast cancer; hereditary breast carcinoma. Identifiers: Orphanet 227535, MedGen C0346153, MONDO:0016419, OMIM 114480. Disease mechanism: loss of function.
Fanconi anemia complementation group J. Also called: BRIP1-Related Fanconi Anemia. Identifiers: Orphanet 84, MedGen C1836860, MONDO:0012187, OMIM 609054.

Submission:

Labcorp Genetics (formerly Invitae), Labcorp
Classification: Uncertain significance for Familial cancer of breast; Fanconi anemia complementation group J. Last evaluated: 2025-11-28. Review status: criteria provided, single submitter. Criteria: Invitae Variant Classification Sherloc (09022015). Collection method: clinical testing. Allele origin: germline.
Comment: This sequence change replaces leucine, which is neutral and non-polar, with valine, which is neutral and non-polar, at codon 709 of the BRIP1 protein (p.Leu709Val). This variant is not present in population databases (gnomAD no frequency). This variant has not been reported in the literature in individuals affected with BRIP1-related conditions. ClinVar contains an entry for this variant (Variation ID: 944245). Invitae Evidence Modeling of protein sequence and biophysical properties (such as structural, functional, and spatial information, amino acid conservation, physicochemical variation, residue mobility, and thermodynamic stability) indicates that this missense variant is not expected to disrupt BRIP1 protein function with a negative predictive value of 95%. In summary, the available evidence is currently insufficient to determine the role of this variant in disease. Therefore, it has been classified as a Variant of Uncertain Significance.

NM_032043.3(BRIP1):c.2125C>G (p.Leu709Val)

Gene: BRIP1 (BRCA1 interacting DNA helicase 1; minus strand). Cytogenetic location: 17q23.2.
Variant type: single nucleotide variant.
Coding change: c.2125C>G on transcript NM_032043.3 (MANE Select); coding-DNA position 2125, C replaced by G.
Protein change: p.Leu709Val; replaces leucine 709 with valine.
Molecular consequence: missense variant.
Genome position (GRCh38, 1-based): chr17:61,744,564, G>C on the plus strand (C>G on the coding strand, the complement: BRIP1 is on the minus strand). VCF-style: chr17-61744564-G-C. GRCh37 (hg19) VCF-style: chr17-59821925-G-C.
Other names: short protein forms L709V.
Identifiers: ClinVar variation 944245 (VCV000944245.10), dbSNP rs2077033994, ClinGen allele CA400483284.
Genomic context (GRCh38, chr17:61,744,564, plus strand): 5'-CCTGTGGTTCTACAATGACTGTCTTCACCAACTCCAGATTATGCCATAAACCAGTAGAGA[G>C]CCAACGTTCTTTTAATTTTTCTAATAACTAAAGAGGGGAAAGAAAAAAATGATTTTTTGT-3'
Protein context (NP_114432.2, residues 699-719): KLLEKLKERW[Leu709Val]STGLWHNLEL